The following is an entry in ClinVar:

ClinVar aggregate classification (germline): Uncertain significance. Review status: criteria provided, multiple submitters, no conflicts (2 of 4 stars). 2 submissions from 2 submitters: Uncertain significance (2). Last evaluated 2022-01-20.

Conditions:
Joubert syndrome. Also called: Familial aplasia of the vermis; JOUBERT-BOLTSHAUSER SYNDROME. Identifiers: Orphanet 475, MedGen C5979921, MONDO:0018772.
Meckel-Gruber syndrome. Also called: DYSENCEPHALIA SPLANCHNOCYSTICA; GRUBER SYNDROME; Dysencephalia splachnocystica. Identifiers: Orphanet 564, MedGen C0265215, MONDO:0018921.
Nephronophthisis. Also called: Juvenile Nephronophthisis. Identifiers: Orphanet 655, MedGen C0687120, MONDO:0019005, HP:0000090.

Allele frequency attached by ClinVar (database versions not stated): TOPMed below 0.00001; ExAC 0.00001; gnomAD 0.00001.
gnomAD v4.1: 4 of 1,570,472 alleles (0.00025%); highest among the groups gnomAD compares: Middle Eastern, 0.033%; no homozygotes.

Submissions (2):

Labcorp Genetics (formerly Invitae), Labcorp
Classification: Uncertain significance for Joubert syndrome; Meckel-Gruber syndrome; Nephronophthisis. Last evaluated: 2022-01-20. Review status: criteria provided, single submitter. Criteria: Invitae Variant Classification Sherloc (09022015). Collection method: clinical testing. Allele origin: germline.
Comment: This sequence change replaces asparagine, which is neutral and polar, with histidine, which is basic and polar, at codon 1869 of the CEP290 protein (p.Asn1869His). This variant is present in population databases (rs748110593, gnomAD 0.001%). This variant has not been reported in the literature in individuals affected with CEP290-related conditions. Algorithms developed to predict the effect of missense changes on protein structure and function are either unavailable or do not agree on the potential impact of this missense change (SIFT: "Deleterious"; PolyPhen-2: "Possibly Damaging"; Align-GVGD: "Class C0"). In summary, the available evidence is currently insufficient to determine the role of this variant in disease. Therefore, it has been classified as a Variant of Uncertain Significance.

Blueprint Genetics
Classification: Uncertain significance. Last evaluated: 2018-11-02. Review status: criteria provided, single submitter. Criteria: ACMG Guidelines, 2015. Collection method: clinical testing. Allele origin: germline.

NM_025114.4(CEP290):c.5605A>C (p.Asn1869His)

Gene: CEP290 (centrosomal protein 290; minus strand). Cytogenetic location: 12q21.32.
Variant type: single nucleotide variant.
Coding change: c.5605A>C on transcript NM_025114.4 (MANE Select); coding-DNA position 5605, A replaced by C.
Protein change: p.Asn1869His; replaces asparagine 1869 with histidine.
Molecular consequence: missense variant.
Genome position (GRCh38, 1-based): chr12:88,077,326, T>G on the plus strand (A>C on the coding strand, the complement: CEP290 is on the minus strand). VCF-style: chr12-88077326-T-G. GRCh37 (hg19) VCF-style: chr12-88471103-T-G.
Other names: short protein forms N1869H.
Identifiers: ClinVar variation 1903217 (VCV001903217.3), dbSNP rs748110593, ClinGen allele CA6711684.